The following is an entry in ClinVar:

NM_001939.3(DRP2):c.148C>G (p.Pro50Ala)

Gene: DRP2 (dystrophin related protein 2; plus strand). Cytogenetic location: Xq22.1.
Variant type: single nucleotide variant.
Coding change: c.148C>G on transcript NM_001939.3 (MANE Select); coding-DNA position 148, C replaced by G.
Protein change: p.Pro50Ala; replaces proline 50 with alanine.
Molecular consequence: missense variant. On other transcripts: 5 prime UTR variant (1).
Genome position (GRCh38, 1-based): chrX:101,235,890, C>G. VCF-style: chrX-101235890-C-G. GRCh37 (hg19) VCF-style: chrX-100490879-C-G.
Other names: c.-87C>G (NM_001171184.2); short protein forms P50A.
Identifiers: ClinVar variation 2550406 (VCV002550406.3), dbSNP rs1389757048, ClinGen allele CA413910141.
Genomic context (GRCh38, chrX:101,235,890, plus strand): 5'-GGATCACAGGATGTTTGTGTTTCTGTCCAGGTTAGAGCTGCTGTCACCAGCCCTGCACCT[C>G]CTCAAGATGGTGCTGGGGTTCCCTGCCTAAGCCTAAAGCTGTTGAACGGGTCTGTTGGTG-3'
Protein context (NP_001930.2, residues 40-60): VRAAVTSPAP[Pro50Ala]QDGAGVPCLS

ClinVar aggregate classification (germline): Uncertain significance. Review status: criteria provided, multiple submitters, no conflicts (2 of 4 stars). 2 submissions from 2 submitters: Uncertain significance (2). Last evaluated 2025-03-05.

Allele frequency attached by ClinVar (database versions not stated): TOPMed 0.00001.
gnomAD v4.1: 1 of 1,211,212 alleles (0.000083%); highest among the groups gnomAD compares: Non-Finnish European, 0.00011%; no homozygotes.

Submissions (2):

Labcorp Genetics (formerly Invitae), Labcorp
Classification: Uncertain significance. Last evaluated: 2025-03-05. Review status: criteria provided, single submitter. Criteria: Invitae Variant Classification Sherloc (09022015). Collection method: clinical testing. Allele origin: germline.
Comment: This sequence change replaces proline, which is neutral and non-polar, with alanine, which is neutral and non-polar, at codon 50 of the DRP2 protein (p.Pro50Ala). This variant is present in population databases (no rsID available, gnomAD 0.001%). This variant has not been reported in the literature in individuals affected with DRP2-related conditions. ClinVar contains an entry for this variant (Variation ID: 2550406). Invitae Evidence Modeling of protein sequence and biophysical properties (such as structural, functional, and spatial information, amino acid conservation, physicochemical variation, residue mobility, and thermodynamic stability) indicates that this missense variant is expected to disrupt DRP2 protein function with a positive predictive value of 80%. In summary, the available evidence is currently insufficient to determine the role of this variant in disease. Therefore, it has been classified as a Variant of Uncertain Significance.

Ambry Genetics
Classification: Uncertain significance. Last evaluated: 2023-05-23. Review status: criteria provided, single submitter. Criteria: Ambry Variant Classification Scheme 2023. Collection method: clinical testing. Allele origin: germline.